The following is an entry in ClinVar:

ClinVar aggregate classification (germline): Uncertain significance. Review status: criteria provided, multiple submitters, no conflicts (2 of 4 stars). 6 submissions from 6 submitters: Uncertain significance (6). Last evaluated 2025-10-22.

Conditions:
Wilson disease (WND). Also called: Wilson's disease. Identifiers: Orphanet 905, MedGen C0019202, MONDO:0010200, OMIM 277900. Disease mechanism: loss of function.

Allele frequency attached by ClinVar (database versions not stated): gnomAD 0.00001 and 0.00003; gnomAD exomes 0.00001 and 0.00002; ExAC 0.00002; TOPMed 0.00004.
gnomAD v4.1: 19 of 1,614,018 alleles (0.0012%); highest among the groups gnomAD compares: Middle Eastern, 0.033%; no homozygotes.

Submissions (6):

Color Diagnostics, LLC DBA Color Health
Classification: Uncertain significance for Wilson disease. Last evaluated: 2025-10-22. Review status: criteria provided, single submitter. Criteria: ACMG Guidelines, 2015. Collection method: clinical testing. Allele origin: germline.
Comment: This missense variant replaces methionine with valine at codon 851 of the ATP7B protein. Computational prediction is inconclusive regarding the impact of this variant on protein structure and function. To our knowledge, functional studies have not been reported for this variant. This variant has been reported in an individual affected with chronic liver disease (DOI: 10.13140/RG.2.2.27215.09127). This variant has been identified in 6/249548 chromosomes in the general population by the Genome Aggregation Database (gnomAD). The available evidence is insufficient to determine the role of this variant in disease conclusively. Therefore, this variant is classified as a Variant of Uncertain Significance.

All of Us Research Program, National Institutes of Health
Classification: Uncertain significance for Wilson disease. Last evaluated: 2023-09-05. Review status: criteria provided, single submitter. Criteria: ACMG Guidelines, 2015. Collection method: clinical testing. Allele origin: germline. Inheritance: Autosomal recessive inheritance. Observed: 7 variant alleles, 7 heterozygotes.
Comment: This missense variant replaces methionine with valine at codon 851 of the ATP7B protein. Computational prediction is inconclusive regarding the impact of this variant on protein structure and function (internally defined REVEL score threshold 0.5 < inconclusive < 0.7, PMID: 27666373). To our knowledge, functional studies have not been reported for this variant. This variant has not been reported in individuals affected with wilson disease in the literature. This variant has been identified in 6/249548 chromosomes in the general population by the Genome Aggregation Database (gnomAD). The available evidence is insufficient to determine the role of this variant in disease conclusively. Therefore, this variant is classified as a Variant of Uncertain Significance.

This study involves interpretation of variants in research participants for the purpose of population health screening. Participant phenotype was not available at the time of variant classification. Additional details can be found in publication PMID: 35346344, PMCID: PMC8962531

Labcorp Genetics (formerly Invitae), Labcorp
Classification: Uncertain significance for Wilson disease. Last evaluated: 2022-08-19. Review status: criteria provided, single submitter. Criteria: Invitae Variant Classification Sherloc (09022015). Collection method: clinical testing. Allele origin: germline.
Comment: This sequence change replaces methionine, which is neutral and non-polar, with valine, which is neutral and non-polar, at codon 851 of the ATP7B protein (p.Met851Val). This variant is present in population databases (rs758360345, gnomAD 0.006%). This variant has not been reported in the literature in individuals affected with ATP7B-related conditions. ClinVar contains an entry for this variant (Variation ID: 1210359). Advanced modeling of protein sequence and biophysical properties (such as structural, functional, and spatial information, amino acid conservation, physicochemical variation, residue mobility, and thermodynamic stability) performed at Invitae indicates that this missense variant is expected to disrupt ATP7B protein function. In summary, the available evidence is currently insufficient to determine the role of this variant in disease. Therefore, it has been classified as a Variant of Uncertain Significance.

Mayo Clinic Laboratories, Mayo Clinic
Classification: Uncertain significance. Last evaluated: 2022-08-11. Review status: criteria provided, single submitter. Criteria: ACMG Guidelines, 2015. Collection method: clinical testing. Allele origin: germline. Observed: 1 variant allele.
Comment: PM2

Fulgent Genetics
Classification: Uncertain significance for Wilson disease. Last evaluated: 2022-05-19. Review status: criteria provided, single submitter. Criteria: ACMG Guidelines, 2015. Collection method: clinical testing. Allele origin: unknown.

Genome-Nilou Lab
Classification: Uncertain significance for Wilson disease. Last evaluated: 2021-07-22. Review status: criteria provided, single submitter. Criteria: ACMG Guidelines, 2015. Collection method: clinical testing. Allele origin: germline. Affected: no.

NM_000053.4(ATP7B):c.2551A>G (p.Met851Val)

Gene: ATP7B (ATPase copper transporting beta; minus strand). Cytogenetic location: 13q14.3.
Variant type: single nucleotide variant.
Coding change: c.2551A>G on transcript NM_000053.4 (MANE Select); coding-DNA position 2551, A replaced by G.
Protein change: p.Met851Val; replaces methionine 851 with valine.
Molecular consequence: missense variant.
Genome position (GRCh38, 1-based): chr13:51,950,296, T>C on the plus strand (A>G on the coding strand, the complement: ATP7B is on the minus strand). VCF-style: chr13-51950296-T-C. GRCh37 (hg19) VCF-style: chr13-52524432-T-C.
Other names: p.Met851Val; c.2065A>G, p.Met689Val (NM_001005918.3); c.2218A>G, p.Met740Val (NM_001243182.2); c.2317A>G, p.Met773Val (NM_001330578.2); c.2299A>G, p.Met767Val (NM_001330579.2); short protein forms M689V, M740V, M767V, M773V, M851V.
Identifiers: ClinVar variation 1210359 (VCV001210359.9), dbSNP rs758360345, ClinGen allele CA6988978.